The following is an entry in ClinVar:

NM_000352.6(ABCC8):c.4545+1del

Gene: ABCC8 (ATP binding cassette subfamily C member 8; minus strand). Cytogenetic location: 11p15.1.
Variant type: Deletion.
Coding change: c.4545+1del on transcript NM_000352.6 (MANE Select); the canonical splice donor site of the intron after coding-DNA position 4545, one base deleted (G; older notation c.4545+1delG).
Molecular consequence: splice donor variant.
Genome position (GRCh38, 1-based): chr11:17,394,265, C deleted on the plus strand (G on the coding strand, the reverse complement: ABCC8 is on the minus strand); the first of 2 consecutive C bases (chr11:17,394,265-17,394,266); deleting either gives the same sequence. VCF-style (leftmost placement, unchanged base first): chr11-17394264-AC-A. GRCh37 (hg19) VCF-style: chr11-17415811-AC-A.
Other names: c.4542+1del (NM_001351297.2); c.4545+1del (NM_001351296.2); c.4611+1del (NM_001351295.2); c.4548+1del (NM_001287174.3).
Identifiers: ClinVar variation 1427394 (VCV001427394.8), dbSNP rs2133394678, ClinGen allele CA2573146244.

ClinVar aggregate classification (germline): Pathogenic (1 of 4 stars; one submission).

Submission:

Labcorp Genetics (formerly Invitae), Labcorp
Classification: Pathogenic. Last evaluated: 2021-05-10. Review status: criteria provided, single submitter. Criteria: Invitae Variant Classification Sherloc (09022015). Collection method: clinical testing. Allele origin: germline.
Comment: For these reasons, this variant has been classified as Pathogenic. Nucleotide substitutions within the consensus splice site are a relatively common cause of aberrant splicing (PMID: 17576681, 9536098). Algorithms developed to predict the effect of sequence changes on RNA splicing suggest that this variant may disrupt the consensus splice site, but this prediction has not been confirmed by published transcriptional studies. This variant has not been reported in the literature in individuals with ABCC8-related conditions. This variant is also known as c.4545+1del. This variant is not present in population databases (ExAC no frequency). This sequence change creates a premature translational stop signal (p.Glu1516Lysfs*8) in the ABCC8 gene. It is expected to result in an absent or disrupted protein product. Loss-of-function variants in ABCC8 are known to be pathogenic (PMID: 20685672, 23345197).

Literature cited by the submitters: PubMed 17576681; PubMed 9536098; PubMed 20685672; PubMed 23345197.